The following is an entry in ClinVar:

NM_000179.3(MSH6):c.2245G>A (p.Gly749Arg)

Gene: MSH6 (mutS homolog 6; plus strand). Cytogenetic location: 2p16.3.
Variant type: single nucleotide variant.
Coding change: c.2245G>A on transcript NM_000179.3 (MANE Select); coding-DNA position 2245, G replaced by A.
Protein change: p.Gly749Arg; replaces glycine 749 with arginine.
Molecular consequence: missense variant.
Genome position (GRCh38, 1-based): chr2:47,800,228, G>A. VCF-style: chr2-47800228-G-A. GRCh37 (hg19) VCF-style: chr2-48027367-G-A.
Other names: c.1855G>A, p.Gly619Arg (NM_001281492.2); c.1339G>A, p.Gly447Arg (NM_001281493.2, NM_001281494.2); short protein forms G749R, G447R, G619R.
Identifiers: ClinVar variation 233031 (VCV000233031.9), dbSNP rs876660143, ClinGen allele CA10578101.

ClinVar aggregate classification (germline): Uncertain significance. Review status: criteria provided, multiple submitters, no conflicts (2 of 4 stars). 3 submissions from 3 submitters: Uncertain significance (3). Last evaluated 2024-01-06.

Conditions:
Hereditary nonpolyposis colorectal neoplasms. Identifiers: MedGen C0009405, MeSH D003123.
Hereditary cancer-predisposing syndrome. Also called: Neoplastic Syndromes, Hereditary; Tumor predisposition; Hereditary Cancer Syndrome; Hereditary neoplastic syndrome. Identifiers: Orphanet 140162, MedGen C0027672, MeSH D009386, MONDO:0015356.

Submissions (3):

Labcorp Genetics (formerly Invitae), Labcorp
Classification: Uncertain significance for Hereditary nonpolyposis colorectal neoplasms. Last evaluated: 2024-01-06. Review status: criteria provided, single submitter. Criteria: Invitae Variant Classification Sherloc (09022015). Collection method: clinical testing. Allele origin: germline.
Comment: This sequence change replaces glycine, which is neutral and non-polar, with arginine, which is basic and polar, at codon 749 of the MSH6 protein (p.Gly749Arg). This variant is not present in population databases (gnomAD no frequency). This variant has not been reported in the literature in individuals affected with MSH6-related conditions. ClinVar contains an entry for this variant (Variation ID: 233031). Advanced modeling of protein sequence and biophysical properties (such as structural, functional, and spatial information, amino acid conservation, physicochemical variation, residue mobility, and thermodynamic stability) performed at Invitae indicates that this missense variant is not expected to disrupt MSH6 protein function with a negative predictive value of 95%. RNA analysis performed to evaluate the impact of this missense change on mRNA splicing indicates it does not significantly alter splicing (Invitae). In summary, the available evidence is currently insufficient to determine the role of this variant in disease. Therefore, it has been classified as a Variant of Uncertain Significance.

Ambry Genetics
Classification: Uncertain significance for Hereditary cancer-predisposing syndrome. Last evaluated: 2023-10-19. Review status: criteria provided, single submitter. Criteria: Ambry Variant Classification Scheme 2023. Collection method: clinical testing. Allele origin: germline.
Comment: The p.G749R variant (also known as c.2245G>A), located in coding exon 4 of the MSH6 gene, results from a G to A substitution at nucleotide position 2245. The glycine at codon 749 is replaced by arginine, an amino acid with dissimilar properties. This amino acid position is well conserved in available vertebrate species. In addition, this alteration is predicted to be deleterious by in silico analysis. Since supporting evidence is limited at this time, the clinical significance of this alteration remains unclear.

GeneDx
Classification: Uncertain significance. Last evaluated: 2022-05-10. Review status: criteria provided, single submitter. Criteria: GeneDx Variant Classification Process June 2021. Collection method: clinical testing. Allele origin: germline. Affected: yes.
Comment: Not observed at significant frequency in large population cohorts (gnomAD); In silico analysis supports that this missense variant does not alter protein structure/function; Has not been previously published as pathogenic or benign to our knowledge; This variant is associated with the following publications: (PMID: 17531815, 21120944)